The following is an entry in ClinVar:

NM_173354.5(SIK1):c.2189C>T (p.Thr730Ile)

Gene: SIK1 (salt inducible kinase 1; minus strand). Cytogenetic location: 21q22.3.
Variant type: single nucleotide variant.
Coding change: c.2189C>T on transcript NM_173354.5 (MANE Select); coding-DNA position 2189, C replaced by T.
Protein change: p.Thr730Ile; replaces threonine 730 with isoleucine.
Molecular consequence: missense variant.
Genome position (GRCh38, 1-based): chr21:43,416,905, G>A on the plus strand (C>T on the coding strand, the complement: SIK1 is on the minus strand). VCF-style: chr21-43416905-G-A. GRCh37 (hg19) VCF-style: chr21-44836785-G-A.
Other names: short protein forms T730I.
Identifiers: ClinVar variation 2818772 (VCV002818772.3), dbSNP rs2516963749, ClinGen allele CA410606483.

ClinVar aggregate classification (germline): Uncertain significance (1 of 4 stars; one submission).

Conditions:
Developmental and epileptic encephalopathy, 30 (DEE30). Also called: Epileptic encephalopathy, early infantile, 30. Identifiers: MedGen C4225360, MONDO:0014595, OMIM 616341.

Submission:

Labcorp Genetics (formerly Invitae), Labcorp
Classification: Uncertain significance for Developmental and epileptic encephalopathy, 30. Last evaluated: 2024-12-31. Review status: criteria provided, single submitter. Criteria: Invitae Variant Classification Sherloc (09022015). Collection method: clinical testing. Allele origin: germline.
Comment: This sequence change replaces threonine, which is neutral and polar, with isoleucine, which is neutral and non-polar, at codon 730 of the SIK1 protein (p.Thr730Ile). This variant is not present in population databases (gnomAD no frequency). This variant has not been reported in the literature in individuals affected with SIK1-related conditions. ClinVar contains an entry for this variant (Variation ID: 2818772). Invitae Evidence Modeling of protein sequence and biophysical properties (such as structural, functional, and spatial information, amino acid conservation, physicochemical variation, residue mobility, and thermodynamic stability) indicates that this missense variant is not expected to disrupt SIK1 protein function with a negative predictive value of 95%. In summary, the available evidence is currently insufficient to determine the role of this variant in disease. Therefore, it has been classified as a Variant of Uncertain Significance.